The following is an entry in ClinVar:

ClinVar aggregate classification (germline): Uncertain significance (1 of 4 stars; one submission).

Conditions:
Fanconi anemia (FA). Also called: Fanconi's anemia. Identifiers: Orphanet 84, MedGen C0015625, MeSH D005199, MONDO:0019391.

Allele frequency attached by ClinVar (database versions not stated): TOPMed below 0.00001.

Submission:

Labcorp Genetics (formerly Invitae), Labcorp
Classification: Uncertain significance for Fanconi anemia. Last evaluated: 2020-03-11. Review status: criteria provided, single submitter. Criteria: Invitae Variant Classification Sherloc (09022015). Collection method: clinical testing. Allele origin: germline.
Comment: In summary, the available evidence is currently insufficient to determine the role of this variant in disease. Therefore, it has been classified as a Variant of Uncertain Significance. Nucleotide substitutions within the consensus splice site are a relatively common cause of aberrant splicing (PMID: 17576681, 9536098). Algorithms developed to predict the effect of sequence changes on RNA splicing suggest that this variant is not likely to affect RNA splicing, but this prediction has not been confirmed by published transcriptional studies. This variant has not been reported in the literature in individuals with FANCM-related conditions. This variant is not present in population databases (ExAC no frequency). This sequence change falls in intron 20 of the FANCM gene. It does not directly change the encoded amino acid sequence of the FANCM protein, but it affects a nucleotide within the consensus splice site of the intron.

Literature cited by the submitters: PubMed 17576681; PubMed 9536098.

NM_020937.4(FANCM):c.5341-3C>T

Gene: FANCM (FA complementation group M; plus strand). Cytogenetic location: 14q21.2.
Variant type: single nucleotide variant.
Coding change: c.5341-3C>T on transcript NM_020937.4 (MANE Select); 3 bases into the intron before coding-DNA position 5341, C replaced by T.
Molecular consequence: intron variant.
Genome position (GRCh38, 1-based): chr14:45,196,169, C>T. VCF-style: chr14-45196169-C-T. GRCh37 (hg19) VCF-style: chr14-45665372-C-T.
Other names: c.5263-3C>T (NM_001308133.2).
Identifiers: ClinVar variation 1017899 (VCV001017899.8), dbSNP rs1890043451, ClinGen allele CA2133622137.
Genomic context (GRCh38, chr14:45,196,169, plus strand): 5'-GAGACGTTTATGGCATTTTTATGCATTTAACCTGAATGTGACCAGTGTTTTCCACTTTTT[C>T]AGGATGGTAGTGCTTTGGAGGATTCTAGCACTTCAGGGGCATCCTGTTCCAAGTCAAGAC-3'